The following is an entry in ClinVar:

ClinVar aggregate classification (germline): Uncertain significance (1 of 4 stars; one submission).

Conditions:
Chuvash polycythemia. Also called: POLYCYTHEMIA, VHL-DEPENDENT. Identifiers: Orphanet 238557, MedGen C1837915, MONDO:0009892, OMIM 263400.
Von Hippel-Lindau syndrome (VHLS). Also called: Von Hippel-Lindau; von Hippel–Lindau syndrome; VHL syndrome. Identifiers: Orphanet 892, MedGen C0019562, MONDO:0008667, OMIM 193300. Disease mechanism: loss of function.

Submission:

Labcorp Genetics (formerly Invitae), Labcorp
Classification: Uncertain significance for Von Hippel-Lindau syndrome; Chuvash polycythemia. Last evaluated: 2024-06-11. Review status: criteria provided, single submitter. Criteria: Invitae Variant Classification Sherloc (09022015). Collection method: clinical testing. Allele origin: germline.
Comment: This sequence change replaces glutamine, which is neutral and polar, with histidine, which is basic and polar, at codon 132 of the VHL protein (p.Gln132His). This variant is not present in population databases (gnomAD no frequency). This variant has not been reported in the literature in individuals affected with VHL-related conditions. Advanced modeling of protein sequence and biophysical properties (such as structural, functional, and spatial information, amino acid conservation, physicochemical variation, residue mobility, and thermodynamic stability) performed at Invitae indicates that this missense variant is expected to disrupt VHL protein function with a positive predictive value of 95%. In summary, the available evidence is currently insufficient to determine the role of this variant in disease. Therefore, it has been classified as a Variant of Uncertain Significance.

NM_000551.4(VHL):c.396A>T (p.Gln132His)

Genes: VHL (von Hippel-Lindau tumor suppressor; plus strand), LOC107303340 (3p25 von Hippel-Lindau tumor suppressor, E3 ubiquitin protein ligase Alu-mediated recombination region; plus strand). Cytogenetic location: 3p25.3.
Variant type: single nucleotide variant.
Coding change: c.396A>T on transcript NM_000551.4 (MANE Select); coding-DNA position 396, A replaced by T.
Protein change: p.Gln132His; replaces glutamine 132 with histidine.
Molecular consequence: missense variant. On other transcripts: non-coding transcript variant (1), intron variant (2).
Genome position (GRCh38, 1-based): chr3:10,146,569, A>T. VCF-style: chr3-10146569-A-T. GRCh37 (hg19) VCF-style: chr3-10188253-A-T.
Other names: c.*18-3218A>T (NM_001354723.2); c.341-3218A>T (NM_198156.3); short protein forms Q132H.
Identifiers: ClinVar variation 3748496 (VCV003748496.2).
Genomic context (GRCh38, chr3:10,146,569, plus strand): 5'-GATAGGTCACCTTTGGCTCTTCAGAGATGCAGGGACACACGATGGGCTTCTGGTTAACCA[A>T]ACTGAATTATTTGTGCCATCTCTCAATGTTGACGGACAGCCTATTTTTGCCAATATCACA-3'
Protein context (NP_000542.1, residues 122-142): AGTHDGLLVN[Gln132His]TELFVPSLNV